The following is an entry in ClinVar:

ClinVar aggregate classification (germline): Pathogenic (1 of 4 stars; one submission).

Conditions:
RYR1-related disorder. Also called: RYR1-related condition; RYR1-related disorders. Identifiers: MedGen CN239331.

Allele frequency attached by ClinVar (database versions not stated): gnomAD exomes below 0.00001.
gnomAD v4.1: 2 of 1,614,154 alleles (0.00012%); highest among the groups gnomAD compares: Admixed American, 0.0017%; no homozygotes.

Submission:

Labcorp Genetics (formerly Invitae), Labcorp
Classification: Pathogenic for RYR1-related disorder. Last evaluated: 2023-11-19. Review status: criteria provided, single submitter. Criteria: Invitae Variant Classification Sherloc (09022015). Collection method: clinical testing. Allele origin: germline.
Comment: This sequence change creates a premature translational stop signal (p.Gln1219*) in the RYR1 gene. It is expected to result in an absent or disrupted protein product. Loss-of-function variants in RYR1 are known to be pathogenic (PMID: 23919265, 25960145, 28818389, 30611313). This variant is present in population databases (no rsID available, gnomAD 0.003%). This variant has not been reported in the literature in individuals affected with RYR1-related conditions. Algorithms developed to predict the effect of sequence changes on RNA splicing suggest that this variant may create or strengthen a splice site. For these reasons, this variant has been classified as Pathogenic.

Literature cited by the submitters: PubMed 23919265; PubMed 25960145; PubMed 28818389; PubMed 30611313.

NM_000540.3(RYR1):c.3655C>T (p.Gln1219Ter)

Gene: RYR1 (ryanodine receptor 1; plus strand). Cytogenetic location: 19q13.2.
Variant type: single nucleotide variant.
Coding change: c.3655C>T on transcript NM_000540.3 (MANE Select); coding-DNA position 3655, C replaced by T.
Protein change: p.Gln1219Ter; replaces glutamine 1219 with a stop codon.
Molecular consequence: nonsense.
Genome position (GRCh38, 1-based): chr19:38,469,403, C>T. VCF-style: chr19-38469403-C-T. GRCh37 (hg19) VCF-style: chr19-38960043-C-T.
Other names: c.3655C>T, p.Gln1219Ter (NM_001042723.2); short protein forms Q1219*.
Identifiers: ClinVar variation 3019254 (VCV003019254.3), dbSNP rs1314539077, ClinGen allele CA405639475.